The following is an entry in ClinVar:

NM_004991.4(MECOM):c.1037G>A (p.Arg346Gln)

Gene: MECOM (MDS1 and EVI1 complex locus; minus strand). Cytogenetic location: 3q26.2.
Variant type: single nucleotide variant.
Coding change: c.1037G>A on transcript NM_004991.4 (MANE Select); coding-DNA position 1037, G replaced by A.
Protein change: p.Arg346Gln; replaces arginine 346 with glutamine.
Molecular consequence: missense variant.
Genome position (GRCh38, 1-based): chr3:169,121,151, C>T on the plus strand (G>A on the coding strand, the complement: MECOM is on the minus strand). VCF-style: chr3-169121151-C-T. GRCh37 (hg19) VCF-style: chr3-168838939-C-T.
Other names: c.668G>A, p.Arg223Gln (NM_001105077.4); c.473G>A, p.Arg158Gln (NM_001105078.4, NM_001164000.2, NM_001205194.2 and 5 more transcripts); c.476G>A, p.Arg159Gln (NM_001163999.2, NM_001366467.2, NM_001366468.2 and 1 more transcripts); c.1037G>A, p.Arg346Gln (NM_001366466.2, NM_001366473.2); short protein forms R159Q, R346Q, R223Q, R158Q.
Identifiers: ClinVar variation 3394374 (VCV003394374.1).

ClinVar aggregate classification (germline): Uncertain significance (1 of 4 stars; one submission).

Conditions:
Inborn genetic diseases. Identifiers: MedGen C0950123, MeSH D030342.

gnomAD v4.1: 9 of 1,613,358 alleles (0.00056%); highest among the groups gnomAD compares: Non-Finnish European, 0.00076%; no homozygotes.

Submission:

Ambry Genetics
Classification: Uncertain significance for Inborn genetic diseases. Last evaluated: 2024-12-06. Review status: criteria provided, single submitter. Criteria: Ambry Variant Classification Scheme 2023. Collection method: clinical testing. Allele origin: germline.
Comment: The p.R346Q variant (also known as c.1037G>A), located in coding exon 7 of the MECOM gene, results from a G to A substitution at nucleotide position 1037. The arginine at codon 346 is replaced by glutamine, an amino acid with highly similar properties. This amino acid position is conserved. In addition, the in silico prediction for this alteration is inconclusive. Based on the available evidence, the clinical significance of this variant remains unclear.